The following is an entry in ClinVar:

ClinVar aggregate classification (germline): Uncertain significance. Review status: criteria provided, multiple submitters, no conflicts (2 of 4 stars). 2 submissions from 2 submitters: Uncertain significance (2). Last evaluated 2025-08-23.

Conditions:
Inborn genetic diseases. Identifiers: MedGen C0950123, MeSH D030342.

Submissions (2):

Ambry Genetics
Classification: Uncertain significance for Inborn genetic diseases. Last evaluated: 2025-08-23. Review status: criteria provided, single submitter. Criteria: Ambry Variant Classification Scheme 2023. Collection method: clinical testing. Allele origin: germline.
Comment: The p.S698F variant (also known as c.2093C>T), located in coding exon 1 of the SAMD9 gene, results from a C to T substitution at nucleotide position 2093. The serine at codon 698 is replaced by phenylalanine, an amino acid with highly dissimilar properties. This amino acid position is conserved. In addition, this alteration is predicted to be tolerated by in silico analysis. Based on the available evidence, the clinical significance of this variant remains unclear.

Labcorp Genetics (formerly Invitae), Labcorp
Classification: Uncertain significance. Last evaluated: 2025-02-13. Review status: criteria provided, single submitter. Criteria: Invitae Variant Classification Sherloc (09022015). Collection method: clinical testing. Allele origin: germline.
Comment: This sequence change replaces serine, which is neutral and polar, with phenylalanine, which is neutral and non-polar, at codon 698 of the SAMD9 protein (p.Ser698Phe). This variant is not present in population databases (gnomAD no frequency). This variant has not been reported in the literature in individuals affected with SAMD9-related conditions. Invitae Evidence Modeling of protein sequence and biophysical properties (such as structural, functional, and spatial information, amino acid conservation, physicochemical variation, residue mobility, and thermodynamic stability) has been performed for this missense variant. However, the output from this modeling did not meet the statistical confidence thresholds required to predict the impact of this variant on SAMD9 protein function. In summary, the available evidence is currently insufficient to determine the role of this variant in disease. Therefore, it has been classified as a Variant of Uncertain Significance.

NM_017654.4(SAMD9):c.2093C>T (p.Ser698Phe)

Gene: SAMD9 (sterile alpha motif domain containing 9; minus strand). Cytogenetic location: 7q21.2.
Variant type: single nucleotide variant.
Coding change: c.2093C>T on transcript NM_017654.4 (MANE Select); coding-DNA position 2093, C replaced by T.
Protein change: p.Ser698Phe; replaces serine 698 with phenylalanine.
Molecular consequence: missense variant.
Genome position (GRCh38, 1-based): chr7:93,104,005, G>A on the plus strand (C>T on the coding strand, the complement: SAMD9 is on the minus strand). VCF-style: chr7-93104005-G-A. GRCh37 (hg19) VCF-style: chr7-92733318-G-A.
Other names: c.2093C>T, p.Ser698Phe (NM_001193307.2); short protein forms S698F.
Identifiers: ClinVar variation 4159173 (VCV004159173.2).